The following is an entry in ClinVar:

NM_201384.3(PLEC):c.10368T>A (p.Val3456=)

Gene: PLEC (plectin; minus strand). Cytogenetic location: 8q24.3.
Variant type: single nucleotide variant.
Coding change: c.10368T>A on transcript NM_201384.3 (MANE Select); coding-DNA position 10368, T replaced by A.
Protein change: p.Val3456=; no amino-acid change (valine 3456 retained).
Molecular consequence: synonymous variant.
Genome position (GRCh38, 1-based): chr8:143,919,453, A>T on the plus strand (T>A on the coding strand, the complement: PLEC is on the minus strand). VCF-style: chr8-143919453-A-T. GRCh37 (hg19) VCF-style: chr8-144993621-A-T.
Other names: c.10449T>A, p.Val3483= (NM_000445.5); c.10326T>A, p.Val3442= (NM_201378.4); c.10302T>A, p.Val3434= (NM_201379.3); c.10779T>A, p.Val3593= (NM_201380.4); c.10272T>A, p.Val3424= (NM_201381.3); c.10368T>A, p.Val3456= (NM_201382.4); c.10380T>A, p.Val3460= (NM_201383.3).
Identifiers: ClinVar variation 586324 (VCV000586324.35), dbSNP rs538384389, ClinGen allele CA4924676.

ClinVar aggregate classification (germline): Likely benign. Review status: criteria provided, multiple submitters, no conflicts (2 of 4 stars). 4 submissions from 4 submitters: Likely benign (4). Last evaluated 2025-12-19.

Conditions:
Autosomal recessive limb-girdle muscular dystrophy type 2Q (LGMDR17). Also called: MUSCULAR DYSTROPHY, LIMB-GIRDLE, AUTOSOMAL RECESSIVE 17. Identifiers: Orphanet 254361, MedGen C3150989, MONDO:0013390, OMIM 613723.
Epidermolysis bullosa simplex 5B, with muscular dystrophy (EBS5B). Also called: EPIDERMOLYSIS BULLOSA SIMPLEX AND LIMB-GIRDLE MUSCULAR DYSTROPHY; Epidermolysis bullosa simplex with muscular dystrophy. Identifiers: Orphanet 257, MedGen C2931072, MONDO:0009181, OMIM 226670.
Epidermolysis bullosa simplex, Ogna type (EBS5A). Also called: Pidermolysis bullosa simplex 5A, Ogna type; EPIDERMOLYSIS BULLOSA SIMPLEX 5A, OGNA TYPE. Identifiers: Orphanet 79401, MedGen C0432317, MONDO:0007555, OMIM 131950.
Epidermolysis bullosa simplex 5C, with pyloric atresia (EBS5C). Also called: PLEC-Related Epidermolysis Bullosa with Pyloric Atresia; Epidermolysis bullosa simplex with pyloric atresia; PLEC1-Related Epidermolysis Bullosa with Pyloric Atresia. Identifiers: Orphanet 158684, MedGen C2677349, MONDO:0012807, OMIM 612138.
Epidermolysis bullosa simplex with nail dystrophy (EBS5D). Identifiers: MedGen C4225309, MONDO:0014661, OMIM 616487.

Allele frequency attached by ClinVar (database versions not stated): gnomAD 0.00004 and 0.00008; gnomAD exomes 0.00004 and 0.00010; TOPMed 0.00006; ExAC 0.00008; 1000 Genomes Project 30x 0.00031; 1000 Genomes Project 0.00040.
gnomAD v4.1: 83 of 1,613,178 alleles (0.0051%); highest among the groups gnomAD compares: East Asian, 0.062%; no homozygotes.

Submissions (4):

Labcorp Genetics (formerly Invitae), Labcorp
Classification: Likely benign for Autosomal recessive limb-girdle muscular dystrophy type 2Q; Epidermolysis bullosa simplex, Ogna type; Epidermolysis bullosa simplex with nail dystrophy; Epidermolysis bullosa simplex 5C, with pyloric atresia; Epidermolysis bullosa simplex 5B, with muscular dystrophy. Last evaluated: 2025-12-19. Review status: criteria provided, single submitter. Criteria: Invitae Variant Classification Sherloc (09022015). Collection method: clinical testing. Allele origin: germline.

Blueprint Genetics
Classification: Likely benign. Last evaluated: 2024-11-14. Review status: criteria provided, single submitter. Criteria: ACMG Guidelines, 2015. Collection method: clinical testing. Allele origin: germline.

CeGaT Center for Human Genetics Tuebingen
Classification: Likely benign. Last evaluated: 2023-09-01. Review status: criteria provided, single submitter. Criteria: CeGaT Center For Human Genetics Tuebingen Variant Classification Criteria Version 2. Collection method: clinical testing. Allele origin: germline. Affected: yes. Observed: 1 variant allele.
Comment: PLEC: BP4, BP7

Athena Diagnostics
Classification: Likely benign. Last evaluated: 2018-02-06. Review status: criteria provided, single submitter. Criteria: Athena Diagnostics Criteria. Collection method: clinical testing. Allele origin: germline.